The following is an entry in ClinVar:

ClinVar aggregate classification (germline): Benign. Review status: criteria provided, multiple submitters, no conflicts (2 of 4 stars). 3 submissions from 3 submitters: Benign (2). 1 of the submissions does not count toward it. Last evaluated 2019-12-31.

Conditions:
DGKD-related disorder. Also called: DGKD-related condition.

Allele frequency attached by ClinVar (database versions not stated): gnomAD exomes 0.00032; ExAC 0.00035; 1000 Genomes Project 30x 0.00078; 1000 Genomes Project 0.00080; ESP Exome Variant Server 0.00092; gnomAD 0.00098 and 0.00106; TOPMed 0.00109.

Submissions (3):

Labcorp Genetics (formerly Invitae), Labcorp
Classification: Benign. Last evaluated: 2019-12-31. Review status: criteria provided, single submitter. Criteria: Invitae Variant Classification Sherloc (09022015). Collection method: clinical testing. Allele origin: germline.

Breakthrough Genomics
Classification: Benign. Review status: criteria provided, single submitter. Criteria: ACMG Guidelines, 2015. Collection method: not provided. Allele origin: germline. Inheritance: Unknown mechanism. Affected: yes.

PreventionGenetics, part of Exact Sciences
Classification: Likely benign for DGKD-related condition. Last evaluated: 2019-10-28. Review status: no assertion criteria provided. Collection method: clinical testing. Allele origin: germline. Not counted in ClinVar's aggregate classification.
Comment: This variant is classified as likely benign based on ACMG/AMP sequence variant interpretation guidelines (Richards et al. 2015 PMID: 25741868, with internal and published modifications).

NM_152879.3(DGKD):c.1218C>T (p.Leu406=)

Gene: DGKD (diacylglycerol kinase delta; plus strand). Cytogenetic location: 2q37.1.
Variant type: single nucleotide variant.
Coding change: c.1218C>T on transcript NM_152879.3 (MANE Select); coding-DNA position 1218, C replaced by T.
Protein change: p.Leu406=; no amino-acid change (leucine 406 retained).
Molecular consequence: synonymous variant.
Genome position (GRCh38, 1-based): chr2:233,445,646, C>T. VCF-style: chr2-233445646-C-T. GRCh37 (hg19) VCF-style: chr2-234354292-C-T.
Other names: c.1086C>T, p.Leu362= (NM_003648.3).
Identifiers: ClinVar variation 778050 (VCV000778050.7), dbSNP rs144742201, ClinGen allele CA2175168.
Genomic context (GRCh38, chr2:233,445,646, plus strand): 5'-GGTGTTTGCCTGCGCATCGTCCCCCATGTTTCCTTAGTGTCAGCTGGGAGTGCTGCCGCT[C>T]GGCACAGGGAACGACTTGGCCCGAGTACTGGGCTGGGGCTCAGCCTGCGATGACGACACC-3'
Protein context (NP_690618.2, residues 396-416): HKQCQLGVLP[Leu406=]GTGNDLARVL